The following is an entry in ClinVar:

ClinVar aggregate classification (germline): Benign (1 of 4 stars; one submission).

Allele frequency attached by ClinVar (database versions not stated): gnomAD 0.01965; 1000 Genomes Project 0.02017; TOPMed 0.02046; 1000 Genomes Project 30x 0.02249.
gnomAD v4.1: 2,782 of 152,164 alleles (1.8%); highest among the groups gnomAD compares: African/African-American, 5.9%; 73 homozygotes.

Submission:

GeneDx
Classification: Benign. Last evaluated: 2018-06-16. Review status: criteria provided, single submitter. Criteria: GeneDx Variant Classification (06012015). Collection method: clinical testing. Allele origin: germline. Affected: yes.
Comment: This variant is considered likely benign or benign based on one or more of the following criteria: it is a conservative change, it occurs at a poorly conserved position in the protein, it is predicted to be benign by multiple in silico algorithms, and/or has population frequency not consistent with disease.

NM_001136472.2(LITAF):c.377+1435C>T

Gene: LITAF (lipopolysaccharide induced TNF factor; minus strand). Cytogenetic location: 16p13.13.
Variant type: single nucleotide variant.
Coding change: c.377+1435C>T on transcript NM_001136472.2 (MANE Select); 1435 bases into the intron after coding-DNA position 377, C replaced by T.
Molecular consequence: intron variant.
Genome position (GRCh38, 1-based): chr16:11,552,098, G>A on the plus strand (C>T on the coding strand, the complement: LITAF is on the minus strand). VCF-style: chr16-11552098-G-A. GRCh37 (hg19) VCF-style: chr16-11645954-G-A.
Other names: c.378-294C>T (NM_001136473.1); c.377+1435C>T (NM_004862.4).
Identifiers: ClinVar variation 673457 (VCV000673457.1), dbSNP rs11860018, ClinGen allele CA278304072.
Genomic context (GRCh38, chr16:11,552,098, plus strand): 5'-CACATGACCTCAAGGAAGTTAACTAAACTCTCTGGGACTCTGAGCCTCTTATTGAAGTTA[G>A]GAAGAGAAATATTGTTCCTTCTCAACCTCAAGTCACCAAAGGACAATGTGGAGGAACGTG-3'